The following is an entry in ClinVar:

NM_000310.4(PPT1):c.749G>T (p.Gly250Val)

Gene: PPT1 (palmitoyl-protein thioesterase 1; minus strand). Cytogenetic location: 1p34.2.
Variant type: single nucleotide variant.
Coding change: c.749G>T on transcript NM_000310.4 (MANE Select); coding-DNA position 749, G replaced by T.
Protein change: p.Gly250Val; replaces glycine 250 with valine.
Molecular consequence: missense variant. On other transcripts: intron variant (1).
Genome position (GRCh38, 1-based): chr1:40,076,891, C>A on the plus strand (G>T on the coding strand, the complement: PPT1 is on the minus strand). VCF-style: chr1-40076891-C-A. GRCh37 (hg19) VCF-style: chr1-40542563-C-A.
Other names: c.440G>T, p.Gly147Val (NM_001142604.2); c.726+1669G>T (NM_001363695.2); short protein forms G147V, G250V.
Identifiers: ClinVar variation 56215 (VCV000056215.2), dbSNP rs386833666, ClinGen allele CA263548.

ClinVar aggregate classification (germline): Likely pathogenic (0 of 4 stars; one submission).

Conditions:
Neuronal ceroid lipofuscinosis 1 (CLN1). Also called: CEROID LIPOFUSCINOSIS, NEURONAL, 1, VARIABLE AGE AT ONSET; PPT1-Related Neuronal Ceroid-Lipofuscinosis. Identifiers: Orphanet 228329, MedGen C1850451, MONDO:0009744, OMIM 256730.

Submission:

Juha Muilu Group; Institute for Molecular Medicine Finland (FIMM)
Classification: Likely pathogenic for Ceroid lipofuscinosis neuronal 1. Review status: no assertion criteria provided. Collection method: not provided. Allele origin: unknown.
Comment: FinDis database variant: This variant was not found or characterized by our laboratory, data were collected from public sources: see reference
ClinVar note: Converted during submission from probable-pathogenic to Likely pathogenic.